The following is an entry in ClinVar:

ClinVar aggregate classification (germline): Uncertain significance (1 of 4 stars; one submission).

Conditions:
RASopathy. Also called: Noonan spectrum disorder; rasopathies. Identifiers: Orphanet 536391, MedGen C5555857, MONDO:0021060.

Submission:

Labcorp Genetics (formerly Invitae), Labcorp
Classification: Uncertain significance for RASopathy. Last evaluated: 2025-03-18. Review status: criteria provided, single submitter. Criteria: Invitae Variant Classification Sherloc (09022015). Collection method: clinical testing. Allele origin: germline.
Comment: This sequence change replaces serine, which is neutral and polar, with isoleucine, which is neutral and non-polar, at codon 290 of the CBL protein (p.Ser290Ile). This variant also falls at the last nucleotide of exon 5, which is part of the consensus splice site for this exon. This variant is not present in population databases (gnomAD no frequency). This variant has not been reported in the literature in individuals affected with CBL-related conditions. Invitae Evidence Modeling of protein sequence and biophysical properties (such as structural, functional, and spatial information, amino acid conservation, physicochemical variation, residue mobility, and thermodynamic stability) indicates that this missense variant is expected to disrupt CBL protein function with a positive predictive value of 95%. Variants that disrupt the consensus splice site are a relatively common cause of aberrant splicing (PMID: 17576681, 9536098). Algorithms developed to predict the effect of sequence changes on RNA splicing suggest that this variant may disrupt the consensus splice site. In summary, the available evidence is currently insufficient to determine the role of this variant in disease. Therefore, it has been classified as a Variant of Uncertain Significance.

Literature cited by the submitters: PubMed 17576681; PubMed 9536098.

NM_005188.4(CBL):c.869G>T (p.Ser290Ile)

Gene: CBL (Cbl proto-oncogene; plus strand). Cytogenetic location: 11q23.3.
Variant type: single nucleotide variant.
Coding change: c.869G>T on transcript NM_005188.4 (MANE Select); coding-DNA position 869, G replaced by T.
Protein change: p.Ser290Ile; replaces serine 290 with isoleucine.
Molecular consequence: missense variant.
Genome position (GRCh38, 1-based): chr11:119,274,953, G>T. VCF-style: chr11-119274953-G-T. GRCh37 (hg19) VCF-style: chr11-119145663-G-T.
Other names: short protein forms S290I.
Identifiers: ClinVar variation 4747024 (VCV004747024.1).